The following is an entry in ClinVar:

NM_006031.6(PCNT):c.1821G>C (p.Ala607=)

Gene: PCNT (pericentrin; plus strand). Cytogenetic location: 21q22.3.
Variant type: single nucleotide variant.
Coding change: c.1821G>C on transcript NM_006031.6 (MANE Select); coding-DNA position 1821, G replaced by C.
Protein change: p.Ala607=; no amino-acid change (alanine 607 retained).
Molecular consequence: synonymous variant.
Genome position (GRCh38, 1-based): chr21:46,355,511, G>C. VCF-style: chr21-46355511-G-C. GRCh37 (hg19) VCF-style: chr21-47775426-G-C.
Other names: c.1821G>C (NM_006031.5); c.1467G>C, p.Ala489= (NM_001315529.2).
Identifiers: ClinVar variation 2720649 (VCV002720649.4), dbSNP rs147972708, ClinGen allele CA10078777.

ClinVar aggregate classification (germline): Likely benign. Review status: criteria provided, single submitter (1 of 4 stars). 2 submissions from 2 submitters: Likely benign (1). 1 of the submissions does not count toward it. Last evaluated 2024-02-14.

Conditions:
PCNT-related disorder. Also called: PCNT-related condition.

Allele frequency attached by ClinVar (database versions not stated): ExAC 0.00005; TOPMed 0.00005; ESP Exome Variant Server 0.00015; 1000 Genomes Project 0.00040; 1000 Genomes Project 30x 0.00062.
gnomAD v4.1: 13 of 1,614,072 alleles (0.00081%); highest among the groups gnomAD compares: African/African-American, 0.016%; no homozygotes.

Submissions (2):

Labcorp Genetics (formerly Invitae), Labcorp
Classification: Likely benign. Last evaluated: 2024-02-14. Review status: criteria provided, single submitter. Criteria: Invitae Variant Classification Sherloc (09022015). Collection method: clinical testing. Allele origin: germline.

PreventionGenetics, part of Exact Sciences
Classification: Likely benign for PCNT-related condition. Last evaluated: 2023-08-22. Review status: no assertion criteria provided. Collection method: clinical testing. Allele origin: germline. Not counted in ClinVar's aggregate classification.
Comment: This variant is classified as likely benign based on ACMG/AMP sequence variant interpretation guidelines (Richards et al. 2015 PMID: 25741868, with internal and published modifications).